The following is an entry in ClinVar:

ClinVar aggregate classification (germline): Uncertain significance (1 of 4 stars; one submission).

Submission:

GeneDx
Classification: Uncertain significance. Last evaluated: 2017-02-24. Review status: criteria provided, single submitter. Criteria: GeneDx Variant Classification (06012015). Collection method: clinical testing. Allele origin: germline. Affected: yes.
Comment: A variant of uncertain significance has been identified in the CEP290 gene. The N2148K variant has not been published as a pathogenic variant, nor has it been reported as a benign variant to our knowledge. It is not observed in large population cohorts (Lek et al., 2016; 1000 Genomes Consortium et al., 2015; Exome Variant Server). The N2148K variant is a semi-conservative amino acid substitution, which may impact secondary protein structure as these residues differ in some properties. This substitution occurs at a position that is conserved across species, and in silico analysis predicts the N2148K variant is probably damaging to the protein structure/function. Based on the currently available information, it is unclear whether this variant is a pathogenic variant or a rare benign variant.

NM_025114.4(CEP290):c.6444T>A (p.Asn2148Lys)

Gene: CEP290 (centrosomal protein 290; minus strand). Cytogenetic location: 12q21.32.
Variant type: single nucleotide variant.
Coding change: c.6444T>A on transcript NM_025114.4 (MANE Select); coding-DNA position 6444, T replaced by A.
Protein change: p.Asn2148Lys; replaces asparagine 2148 with lysine.
Molecular consequence: missense variant.
Genome position (GRCh38, 1-based): chr12:88,060,908, A>T on the plus strand (T>A on the coding strand, the complement: CEP290 is on the minus strand). VCF-style: chr12-88060908-A-T. GRCh37 (hg19) VCF-style: chr12-88454685-A-T.
Other names: short protein forms N2148K.
Identifiers: ClinVar variation 423525 (VCV000423525.2), dbSNP rs368101871, ClinGen allele CA16619596.